The following is an entry in ClinVar:

ClinVar aggregate classification (germline): Uncertain significance. Review status: criteria provided, multiple submitters, no conflicts (2 of 4 stars). 2 submissions from 2 submitters: Uncertain significance (2). Last evaluated 2025-06-02.

Conditions:
Hereditary nonpolyposis colorectal neoplasms. Identifiers: MedGen C0009405, MeSH D003123.
Hereditary cancer-predisposing syndrome. Also called: Neoplastic Syndromes, Hereditary; Tumor predisposition; Hereditary neoplastic syndrome; Hereditary Cancer Syndrome. Identifiers: Orphanet 140162, MedGen C0027672, MeSH D009386, MONDO:0015356.

Submissions (2):

Ambry Genetics
Classification: Uncertain significance for Hereditary cancer-predisposing syndrome. Last evaluated: 2025-06-02. Review status: criteria provided, single submitter. Criteria: Ambry Variant Classification Scheme 2023. Collection method: clinical testing. Allele origin: germline.
Comment: The p.K613T variant (also known as c.1838A>C), located in coding exon 11 of the PMS2 gene, results from an A to C substitution at nucleotide position 1838. The lysine at codon 613 is replaced by threonine, an amino acid with similar properties. This amino acid position is conserved. In addition, this alteration is predicted to be tolerated by in silico analysis. Based on the available evidence, the clinical significance of this variant remains unclear.

Labcorp Genetics (formerly Invitae), Labcorp
Classification: Uncertain significance for Hereditary nonpolyposis colorectal neoplasms. Last evaluated: 2022-10-25. Review status: criteria provided, single submitter. Criteria: Invitae Variant Classification Sherloc (09022015). Collection method: clinical testing. Allele origin: germline.
Comment: This variant has not been reported in the literature in individuals affected with PMS2-related conditions. Advanced modeling of protein sequence and biophysical properties (such as structural, functional, and spatial information, amino acid conservation, physicochemical variation, residue mobility, and thermodynamic stability) has been performed at Invitae for this missense variant, however the output from this modeling did not meet the statistical confidence thresholds required to predict the impact of this variant on PMS2 protein function. In summary, the available evidence is currently insufficient to determine the role of this variant in disease. Therefore, it has been classified as a Variant of Uncertain Significance. This variant is not present in population databases (gnomAD no frequency). This sequence change replaces lysine, which is basic and polar, with threonine, which is neutral and polar, at codon 613 of the PMS2 protein (p.Lys613Thr).

NM_000535.7(PMS2):c.1838A>C (p.Lys613Thr)

Gene: PMS2 (PMS1 homolog 2, mismatch repair system component; minus strand). Cytogenetic location: 7p22.1.
Variant type: single nucleotide variant.
Coding change: c.1838A>C on transcript NM_000535.7 (MANE Select); coding-DNA position 1838, A replaced by C.
Protein change: p.Lys613Thr; replaces lysine 613 with threonine.
Molecular consequence: missense variant. On other transcripts: non-coding transcript variant (1).
Genome position (GRCh38, 1-based): chr7:5,986,927, T>G on the plus strand (A>C on the coding strand, the complement: PMS2 is on the minus strand). VCF-style: chr7-5986927-T-G. GRCh37 (hg19) VCF-style: chr7-6026558-T-G.
Other names: c.1433A>C, p.Lys478Thr (NM_001018040.1, NM_001322003.2, NM_001322004.2 and 17 more transcripts); c.1682A>C, p.Lys561Thr (NM_001322006.2, NM_001406870.1); c.1520A>C, p.Lys507Thr (NM_001322007.2, NM_001322008.2, NM_001406876.1 and 2 more transcripts); c.1277A>C, p.Lys426Thr (NM_001322010.2, NM_001406906.1, NM_001406907.1); c.905A>C, p.Lys302Thr (NM_001322011.2, NM_001322012.2); c.1265A>C, p.Lys422Thr (NM_001322013.2, NM_001406909.1); c.1838A>C, p.Lys613Thr (NM_001322014.2, NM_001406871.1, NM_001406872.1); c.1529A>C, p.Lys510Thr (NM_001322015.2, NM_001406875.1, NM_001406877.1 and 5 more transcripts); and 12 more; short protein forms K302T, K356T, K422T, K426T, K442T, K455T, K458T, K478T.
Identifiers: ClinVar variation 1722129 (VCV001722129.6), dbSNP rs2128722605, ClinGen allele CA366739650.